The following is an entry in ClinVar:

NM_017780.4(CHD7):c.5358_5360dup (p.Trp1786_Asp1787insGlu)

Gene: CHD7 (chromodomain helicase DNA binding protein 7; plus strand). Cytogenetic location: 8q12.2.
Variant type: Duplication.
Coding change: c.5358_5360dup on transcript NM_017780.4 (MANE Select); coding-DNA positions 5358 to 5360, 3 bases duplicated (GGA; older notation c.5358_5360dupGGA).
Protein change: p.Trp1786_Asp1787insGlu.
Molecular consequence: inframe insertion. On other transcripts: intron variant (1).
Genome position (GRCh38, 1-based): chr8:60,849,108-60,849,110, GGA duplicated. VCF-style (leftmost placement, unchanged base first): chr8-60849107-G-GGGA. GRCh37 (hg19) VCF-style: chr8-61761666-G-GGGA.
Other names: c.1717-13121_1717-13119dup (NM_001316690.1).
Identifiers: ClinVar variation 4819030 (VCV004819030.1).

ClinVar aggregate classification (germline): Uncertain significance (1 of 4 stars; one submission).

Conditions:
Hypogonadotropic hypogonadism 5 with or without anosmia (KAL5). Also called: CHD7-Related GnRH Deficiency (Kallmann Syndrome 5); HYPOGONADOTROPHIC HYPOGONADISM 5 WITHOUT ANOSMIA; HYPOGONADOTROPIC HYPOGONADISM 5 WITH ANOSMIA. Identifiers: Orphanet 478, MedGen C3552553, MONDO:0012880, OMIM 612370. Disease mechanism: loss of function.

Submission:

Victorian Clinical Genetics Services, Murdoch Childrens Research Institute
Classification: Uncertain significance for Hypogonadotropic hypogonadism 5 with or without anosmia. Last evaluated: 2025-12-10. Review status: criteria provided, single submitter. Criteria: ACMG Guidelines, 2015. Collection method: clinical testing. Allele origin: germline. Affected: yes.
Comment: This variant is classified as VUS-3B. Evidence in support of pathogenic classification: In-frame insertion/deletion in a non-repetitive region that has high conservation; Variant is absent from gnomAD (v2, v3 and v4). Additional information: This variant is heterozygous; This gene is associated with autosomal dominant disease; This variant has no previous evidence of pathogenicity; No published evidence of segregation with disease has been identified for this variant; No published functional evidence has been identified for this variant; No comparable insertion variants have previous evidence for pathogenicity; Variant is not located in an established domain, motif, hotspot or informative constraint region; Loss of function is a known mechanism of disease in this gene and is associated with CHARGE syndrome (MIM#214800) and hypogonadotropic hypogonadism 5 with or without anosmia (MIM#612370); Variants in this gene are known to have variable expressivity (PMID: 20301296); Inheritance information for this variant is not currently available in this individual.

Literature cited by the submitters: PubMed 20301296.